The following is an entry in ClinVar:

NM_001032283.3(TMPO):c.565+2002C>T

Gene: TMPO (thymopoietin; plus strand). Cytogenetic location: 12q23.1.
Variant type: single nucleotide variant.
Coding change: c.565+2002C>T on transcript NM_001032283.3 (MANE Select); 2002 bases into the intron after coding-DNA position 565, C replaced by T.
Molecular consequence: intron variant. On other transcripts: missense variant (1).
Genome position (GRCh38, 1-based): chr12:98,533,840, C>T. VCF-style: chr12-98533840-C-T. GRCh37 (hg19) VCF-style: chr12-98927618-C-T.
Other names: c.1583C>T, p.Thr528Ile (NM_003276.2); c.565+2002C>T (NM_001307975.2, NM_001032284.3); short protein forms T528I.
Identifiers: ClinVar variation 1524989 (VCV001524989.8), dbSNP rs2121208214, ClinGen allele CA386153513.

ClinVar aggregate classification (germline): Uncertain significance. Review status: criteria provided, multiple submitters, no conflicts (2 of 4 stars). 2 submissions from 2 submitters: Uncertain significance (2). Last evaluated 2025-11-07.

Conditions:
Loeys-Dietz syndrome 2 (LDS2). Also called: Marfan syndrome, type 2 (formerly); Marfan Syndrome type 2; Marfan like connective tissue disorder; MFS 2; TGFBR2-Related Loeys-Dietz Syndrome; AORTIC ANEURYSM, FAMILIAL THORACIC 3. Identifiers: Orphanet 284973, Orphanet 558, MedGen C2674574, MONDO:0012427, OMIM 610168.

Allele frequency attached by ClinVar (database versions not stated): gnomAD exomes 0.00001.
gnomAD v4.1: 16 of 1,614,202 alleles (0.00099%); highest among the groups gnomAD compares: Non-Finnish European, 0.0014%; no homozygotes.

Submissions (2):

Ambry Genetics
Classification: Uncertain significance. Last evaluated: 2025-11-07. Review status: criteria provided, single submitter. Criteria: Ambry Variant Classification Scheme 2023. Collection method: clinical testing. Allele origin: germline.
Comment: The p.T528I variant (also known as c.1583C>T), located in coding exon 4 of the TMPO gene, results from a C to T substitution at nucleotide position 1583. The threonine at codon 528 is replaced by isoleucine, an amino acid with similar properties. This amino acid position is conserved. In addition, this alteration is predicted to be tolerated by in silico analysis. Based on the available evidence, the clinical significance of this variant remains unclear.

Labcorp Genetics (formerly Invitae), Labcorp
Classification: Uncertain significance for Loeys-Dietz syndrome 2. Last evaluated: 2022-03-08. Review status: criteria provided, single submitter. Criteria: Invitae Variant Classification Sherloc (09022015). Collection method: clinical testing. Allele origin: germline.
Comment: This sequence change replaces threonine, which is neutral and polar, with isoleucine, which is neutral and non-polar, at codon 528 of the TMPO protein (p.Thr528Ile). This variant is not present in population databases (gnomAD no frequency). This variant has not been reported in the literature in individuals affected with TMPO-related conditions. Algorithms developed to predict the effect of missense changes on protein structure and function (SIFT, PolyPhen-2, Align-GVGD) all suggest that this variant is likely to be tolerated. In summary, the available evidence is currently insufficient to determine the role of this variant in disease. Therefore, it has been classified as a Variant of Uncertain Significance.